The following is an entry in ClinVar:

ClinVar aggregate classification (germline): Pathogenic. Review status: criteria provided, multiple submitters, no conflicts (2 of 4 stars). 4 submissions from 4 submitters: Pathogenic (4). Last evaluated 2026-05-20.

Conditions:
Hereditary cancer-predisposing syndrome. Also called: Neoplastic Syndromes, Hereditary; Hereditary Cancer Syndrome; Tumor predisposition; Hereditary neoplastic syndrome. Identifiers: Orphanet 140162, MedGen C0027672, MeSH D009386, MONDO:0015356.
Fumarase deficiency (FMRD). Also called: Fumaric aciduria; Fumarate Hydratase Deficiency. Identifiers: Orphanet 24, MedGen C0342770, MONDO:0011730, OMIM 606812.

Allele frequency attached by ClinVar (database versions not stated): gnomAD exomes below 0.00001.
gnomAD v4.1: 1 of 1,613,796 alleles (0.000062%); highest among the groups gnomAD compares: Non-Finnish European, 0.000085%; no homozygotes.

Submissions (4):

Ambry Genetics
Classification: Pathogenic for Hereditary cancer-predisposing syndrome. Last evaluated: 2026-05-20. Review status: criteria provided, single submitter. Criteria: Ambry Variant Classification Scheme 2023. Collection method: clinical testing. Allele origin: germline.
Comment: The c.1391-1G>C intronic variant results from a G to C substitution one nucleotide upstream from coding exon 10 of the FH gene. This alteration occurs at the 3' terminus of the FH gene, is not expected to trigger nonsense-mediated mRNA decay, and only impacts the last exon of the protein. The exact functional effect of this alteration is unknown; however, the impacted region is critical for protein function (Ambry internal data). This variant was reported in individuals with features consistent with FH-related tumor predisposition (Ambry internal data; Tan RYP et al. Australas J Dermatol, 2017 Nov;58:e246-e248). This variant is considered to be rare based on population cohorts in the Genome Aggregation Database (gnomAD). This nucleotide position is highly conserved in available vertebrate species. In silico splice site analysis predicts that this alteration will weaken the native splice acceptor site and will result in the creation or strengthening of a novel splice acceptor site; however, direct evidence is insufficient at this time (Ambry internal data). Other variants impacting the same acceptor site (c.1391-1G>T, c.1391-2A>G) have been identified in individuals with features consistent with FH-related tumor predisposition (Ambry internal data). Based on the supporting evidence, this variant is interpreted as a disease-causing mutation.

Baylor Genetics
Classification: Pathogenic for Fumarase deficiency. Last evaluated: 2024-02-07. Review status: criteria provided, single submitter. Criteria: ACMG Guidelines, 2015. Collection method: clinical testing. Allele origin: unknown.

Labcorp Genetics (formerly Invitae), Labcorp
Classification: Pathogenic. Last evaluated: 2022-06-08. Review status: criteria provided, single submitter. Criteria: Invitae Variant Classification Sherloc (09022015). Collection method: clinical testing. Allele origin: germline.
Comment: For these reasons, this variant has been classified as Pathogenic. Variants that disrupt the consensus splice site are a relatively common cause of aberrant splicing (PMID: 17576681, 9536098). Algorithms developed to predict the effect of sequence changes on RNA splicing suggest that this variant may disrupt the consensus splice site. ClinVar contains an entry for this variant (Variation ID: 214387). Disruption of this splice site has been observed in individuals with clinical features of hereditary leiomyomatosis and renal cell cancer (PMID: 28266706, 28300276; Invitae). This variant is not present in population databases (gnomAD no frequency). This sequence change affects an acceptor splice site in intron 9 of the FH gene. While this variant is not anticipated to result in nonsense mediated decay, it likely alters RNA splicing and results in a disrupted protein product.

GeneDx
Classification: Pathogenic. Last evaluated: 2017-04-06. Review status: criteria provided, single submitter. Criteria: GeneDx Variant Classification (06012015). Collection method: clinical testing. Allele origin: germline. Affected: yes.
Comment: The c.1391-1 G>C splice site mutation in the FH gene destroys the canonical splice acceptor site in intron 9. It is predicted to cause abnormal gene splicing. Although this mutation has not been previously reported to our knowledge, its presence is consistent with a diagnosis of hereditary leiomyomatosis and renal cell cancer. The variant is found in FH panel(s).

Literature cited by the submitters: PubMed 28266706 (cited by Ambry Genetics and Labcorp Genetics (formerly Invitae), Labcorp); PubMed 17576681 (cited by Labcorp Genetics (formerly Invitae), Labcorp); PubMed 9536098 (cited by Labcorp Genetics (formerly Invitae), Labcorp); PubMed 28300276 (cited by Labcorp Genetics (formerly Invitae), Labcorp).

NM_000143.4(FH):c.1391-1G>C

Gene: FH (fumarate hydratase; minus strand). Cytogenetic location: 1q43.
Variant type: single nucleotide variant.
Coding change: c.1391-1G>C on transcript NM_000143.4 (MANE Select); the canonical splice acceptor site of the intron before coding-DNA position 1391, G replaced by C.
Molecular consequence: splice acceptor variant.
Genome position (GRCh38, 1-based): chr1:241,497,971, C>G on the plus strand (G>C on the coding strand, the complement: FH is on the minus strand). VCF-style: chr1-241497971-C-G. GRCh37 (hg19) VCF-style: chr1-241661271-C-G.
Identifiers: ClinVar variation 214387 (VCV000214387.17), dbSNP rs863223978, ClinGen allele CA320963.